The following is an entry in ClinVar:

NM_004393.6(DAG1):c.524G>T (p.Gly175Val)

Gene: DAG1 (dystroglycan 1; plus strand). Cytogenetic location: 3p21.31.
Variant type: single nucleotide variant.
Coding change: c.524G>T on transcript NM_004393.6 (MANE Select); coding-DNA position 524, G replaced by T.
Protein change: p.Gly175Val; replaces glycine 175 with valine.
Molecular consequence: missense variant.
Genome position (GRCh38, 1-based): chr3:49,531,035, G>T. VCF-style: chr3-49531035-G-T. GRCh37 (hg19) VCF-style: chr3-49568468-G-T.
Other names: c.524G>T, p.Gly175Val (NM_001165928.4, NM_001177634.3, NM_001177635.3 and 9 more transcripts); short protein forms G175V.
Identifiers: ClinVar variation 1955453 (VCV001955453.5), dbSNP rs757948629, ClinGen allele CA352793505.
Genomic context (GRCh38, chr3:49,531,035, plus strand): 5'-AGGTCTACCCTGAAGACCACAGTGAGCTGCAGTCGGTGAGGACAGCCTCCCCAGACCCTG[G>T]TGAGGTGGTATCATCTGCCTGTGCTGCGGATGAACCTGTGACTGTTTTGACGGTGATTTT-3'
Protein context (NP_004384.5, residues 165-185): QSVRTASPDP[Gly175Val]EVVSSACAAD

ClinVar aggregate classification (germline): Uncertain significance (1 of 4 stars; one submission).

Conditions:
Autosomal recessive limb-girdle muscular dystrophy type 2P. Also called: MUSCULAR DYSTROPHY-DYSTROGLYCANOPATHY, LIMB-GIRDLE, DAG1-RELATED; Limb-Girdle Muscular Dystrophy Type 9C; MUSCULAR DYSTROPHY, LIMB-GIRDLE, TYPE 2P. Identifiers: Orphanet 280333, MedGen C4511963, MONDO:0013440, OMIM 613818.
Muscular dystrophy-dystroglycanopathy (congenital with brain and eye anomalies), type A9. Also called: WALKER-WARBURG SYNDROME OR MUSCLE-EYE BRAIN DISEASE, DAG1-RELATED; Muscular dystrophy-dystroglycanopathy (congenital with brain and eye anomalies), type a, 9. Identifiers: Orphanet 370997, Orphanet 899, MedGen C4225291, MONDO:0014683, OMIM 616538.

Submission:

Labcorp Genetics (formerly Invitae), Labcorp
Classification: Uncertain significance for Autosomal recessive limb-girdle muscular dystrophy type 2P; Muscular dystrophy-dystroglycanopathy (congenital with brain and eye anomalies), type A9. Last evaluated: 2022-06-22. Review status: criteria provided, single submitter. Criteria: Invitae Variant Classification Sherloc (09022015). Collection method: clinical testing. Allele origin: germline.
Comment: In summary, the available evidence is currently insufficient to determine the role of this variant in disease. Therefore, it has been classified as a Variant of Uncertain Significance. Algorithms developed to predict the effect of missense changes on protein structure and function (SIFT, PolyPhen-2, Align-GVGD) all suggest that this variant is likely to be tolerated. This variant has not been reported in the literature in individuals affected with DAG1-related conditions. This variant is not present in population databases (gnomAD no frequency). This sequence change replaces glycine, which is neutral and non-polar, with valine, which is neutral and non-polar, at codon 175 of the DAG1 protein (p.Gly175Val).